The following is an entry in ClinVar:

NM_007180.3(TREH):c.156G>A (p.Lys52=)

Gene: TREH (trehalase; minus strand). Cytogenetic location: 11q23.3.
Variant type: single nucleotide variant.
Coding change: c.156G>A on transcript NM_007180.3 (MANE Select); coding-DNA position 156, G replaced by A.
Protein change: p.Lys52=; no amino-acid change (lysine 52 retained).
Molecular consequence: synonymous variant.
Genome position (GRCh38, 1-based): chr11:118,663,373, C>T on the plus strand (G>A on the coding strand, the complement: TREH is on the minus strand). VCF-style: chr11-118663373-C-T. GRCh37 (hg19) VCF-style: chr11-118534082-C-T.
Other names: c.156G>A, p.Lys52= (NM_001301065.2).
Identifiers: ClinVar variation 3035110 (VCV003035110.2), dbSNP rs10790256, ClinGen allele CA6308228.

ClinVar aggregate classification (germline): Benign (0 of 4 stars; one submission).

Conditions:
TREH-related disorder. Also called: TREH-related condition.

Allele frequency attached by ClinVar (database versions not stated): ESP Exome Variant Server 0.16024; TOPMed 0.17164; gnomAD 0.18264; 1000 Genomes Project 30x 0.19410; 1000 Genomes Project 0.19708; gnomAD exomes 0.22590; ExAC 0.30775.
gnomAD v4.1: 353,743 of 1,595,466 alleles (22%); highest among the groups gnomAD compares: South Asian, 34%; 41,336 homozygotes.

Submission:

PreventionGenetics, part of Exact Sciences
Classification: Benign for TREH-related condition. Last evaluated: 2019-10-21. Review status: no assertion criteria provided. Collection method: clinical testing. Allele origin: germline.
Comment: This variant is classified as benign based on ACMG/AMP sequence variant interpretation guidelines (Richards et al. 2015 PMID: 25741868, with internal and published modifications).